The following is an entry in ClinVar:

NM_000238.4(KCNH2):c.2386G>A (p.Val796Met)

Gene: KCNH2 (potassium voltage-gated channel subfamily H member 2; minus strand). Cytogenetic location: 7q36.1.
Variant type: single nucleotide variant.
Coding change: c.2386G>A on transcript NM_000238.4 (MANE Select); coding-DNA position 2386, G replaced by A.
Protein change: p.Val796Met; replaces valine 796 with methionine.
Molecular consequence: missense variant.
Genome position (GRCh38, 1-based): chr7:150,950,180, C>T on the plus strand (G>A on the coding strand, the complement: KCNH2 is on the minus strand). VCF-style: chr7-150950180-C-T. GRCh37 (hg19) VCF-style: chr7-150647268-C-T.
Other names: c.1366G>A, p.Val456Met (NM_001204798.2, NM_172057.3); c.2098G>A, p.Val700Met (NM_001406753.1, NM_001406756.1); c.2209G>A, p.Val737Met (NM_001406755.1); c.2086G>A, p.Val696Met (NM_001406757.1); c.2386G>A, p.Val796Met (NM_172056.3); short protein forms V456M, V796M, V700M, V696M, V737M.
Identifiers: ClinVar variation 2183169 (VCV002183169.5), dbSNP rs143335921, ClinGen allele CA006543.

ClinVar aggregate classification (germline): Uncertain significance. Review status: criteria provided, multiple submitters, no conflicts (2 of 4 stars). 2 submissions from 2 submitters: Uncertain significance (2). Last evaluated 2025-12-30.

Conditions:
Long QT syndrome (LQTS). Identifiers: MedGen C0023976, MeSH D008133, MONDO:0002442. Disease mechanism: loss of function. Inheritance: Various modes of inheritance.

gnomAD v4.1: 12 of 1,320,414 alleles (0.00091%); highest among the groups gnomAD compares: South Asian, 0.0046%; no homozygotes.

Submissions (2):

Labcorp Genetics (formerly Invitae), Labcorp
Classification: Uncertain significance for Long QT syndrome. Last evaluated: 2025-12-30. Review status: criteria provided, single submitter. Criteria: Invitae Variant Classification Sherloc (09022015). Collection method: clinical testing. Allele origin: germline.
Comment: This sequence change replaces valine, which is neutral and non-polar, with methionine, which is neutral and non-polar, at codon 796 of the KCNH2 protein (p.Val796Met). This variant is not present in population databases (gnomAD no frequency). This variant has not been reported in the literature in individuals affected with KCNH2-related conditions. ClinVar contains an entry for this variant (Variation ID: 2183169). An algorithm developed to predict the effect of missense changes on protein structure and function (PolyPhen-2) suggests that this variant is likely to be disruptive. In summary, the available evidence is currently insufficient to determine the role of this variant in disease. Therefore, it has been classified as a Variant of Uncertain Significance.

All of Us Research Program, National Institutes of Health
Classification: Uncertain significance for Long QT syndrome. Last evaluated: 2022-11-28. Review status: criteria provided, single submitter. Criteria: ACMG Guidelines, 2015. Collection method: clinical testing. Allele origin: germline. Inheritance: Autosomal dominant inheritance. Observed: 1 variant allele, 1 heterozygote.
Comment: This study involves interpretation of variants in research participants for the purpose of population health screening. Participant phenotype was not available at the time of variant classification. Additional details can be found in publication PMID: 35346344, PMCID: PMC8962531